The following is an entry in ClinVar:

ClinVar aggregate classification (germline): Uncertain significance (1 of 4 stars; one submission).

Allele frequency attached by ClinVar (database versions not stated): gnomAD exomes below 0.00001; gnomAD 0.00005.
gnomAD v4.1: 8 of 1,604,878 alleles (0.0005%); highest among the groups gnomAD compares: Admixed American, 0.013%; no homozygotes.

Submission:

Labcorp Genetics (formerly Invitae), Labcorp
Classification: Uncertain significance. Last evaluated: 2023-12-07. Review status: criteria provided, single submitter. Criteria: Invitae Variant Classification Sherloc (09022015). Collection method: clinical testing. Allele origin: germline.
Comment: This sequence change falls in intron 10 of the CNGB3 gene. It does not directly change the encoded amino acid sequence of the CNGB3 protein. It affects a nucleotide within the consensus splice site. This variant is not present in population databases (gnomAD no frequency). This variant has not been reported in the literature in individuals affected with CNGB3-related conditions. ClinVar contains an entry for this variant (Variation ID: 1981770). Variants that disrupt the consensus splice site are a relatively common cause of aberrant splicing (PMID: 17576681, 9536098). Algorithms developed to predict the effect of sequence changes on RNA splicing suggest that this variant may disrupt the consensus splice site. In summary, the available evidence is currently insufficient to determine the role of this variant in disease. Therefore, it has been classified as a Variant of Uncertain Significance.

Literature cited by the submitters: PubMed 17576681; PubMed 9536098.

NM_019098.5(CNGB3):c.1178+4A>G

Gene: CNGB3 (cyclic nucleotide gated channel subunit beta 3; minus strand). Cytogenetic location: 8q21.3.
Variant type: single nucleotide variant.
Coding change: c.1178+4A>G on transcript NM_019098.5 (MANE Select); 4 bases into the intron after coding-DNA position 1178, A replaced by G.
Molecular consequence: intron variant.
Genome position (GRCh38, 1-based): chr8:86,643,747, T>C on the plus strand (A>G on the coding strand, the complement: CNGB3 is on the minus strand). VCF-style: chr8-86643747-T-C. GRCh37 (hg19) VCF-style: chr8-87655975-T-C.
Identifiers: ClinVar variation 1981770 (VCV001981770.4), dbSNP rs1823236488, ClinGen allele CA1116230141.
Genomic context (GRCh38, chr8:86,643,747, plus strand): 5'-TTCATACAATGAAACAGAATGTTAAAAATAATCAATAAAGGTTTCTTTCAAAATCAGAAC[T>C]TACTCGTTTCCTTCCCCATCATACACCCATCTAGTAGTGCCAATTCCTTCATAGTTTGAA-3'